The following is an entry in ClinVar:

NM_000091.5(COL4A3):c.944G>A (p.Gly315Asp)

Genes: MFF-DT (MFF divergent transcript; minus strand), COL4A3 (collagen type IV alpha 3 chain; plus strand). Cytogenetic location: 2q36.3.
Variant type: single nucleotide variant.
Coding change: c.944G>A on transcript NM_000091.5 (MANE Select); coding-DNA position 944, G replaced by A.
Protein change: p.Gly315Asp; replaces glycine 315 with aspartic acid.
Molecular consequence: missense variant.
Genome position (GRCh38, 1-based): chr2:227,256,353, G>A. VCF-style: chr2-227256353-G-A. GRCh37 (hg19) VCF-style: chr2-228121069-G-A.
Other names: short protein forms G315D.
Identifiers: ClinVar variation 1691504 (VCV001691504.2), dbSNP rs1287109722, ClinGen allele CA350867173.

ClinVar aggregate classification (germline): Likely pathogenic (0 of 4 stars; one submission).

Conditions:
Autosomal dominant Alport syndrome (ATS3A). Also called: Alport syndrome dominant type; Renal failure and sensorineural hearing loss; ALPORT SYNDROME 3A, AUTOSOMAL DOMINANT. Identifiers: Orphanet 63, Orphanet 88918, MedGen C5882663, MONDO:0007086, OMIM 104200.

Submission:

Department of Medical Genetics, National Institute of Health
Classification: Likely pathogenic for Autosomal dominant Alport syndrome. Last evaluated: 2022-06-14. Review status: no assertion criteria provided. Collection method: clinical testing. Allele origin: germline. Inheritance: Autosomal dominant inheritance. Affected: yes. Observed: 1 heterozygote.
Comment: Clinical exome sequencing identified a novel heterozygous variant: NM_000091.5:c.944G>A(p.Gly315Asp) in exon 17 of COL4A3 gene. It is classified as likely pathogenic on American College of Medical Genetics and Genomics (ACMG) according to these criteria: PM1, PM2 and PP3